The following is an entry in ClinVar:

NM_001943.5(DSG2):c.523+24dup

Gene: DSG2 (desmoglein 2; plus strand). Cytogenetic location: 18q12.1.
Variant type: Duplication.
Coding change: c.523+24dup on transcript NM_001943.5 (MANE Select); 24 bases into the intron after coding-DNA position 523, one base duplicated (T; older notation c.523+24dupT).
Molecular consequence: intron variant.
Genome position (GRCh38, 1-based): chr18:31,521,267, T duplicated; the last of 15 consecutive T bases (chr18:31,521,253-31,521,267); duplicating any one gives the same sequence. VCF-style (leftmost placement, unchanged base first): chr18-31521252-C-CT. GRCh37 (hg19) VCF-style: chr18-29101215-C-CT.
Other names: p.?; c.523+24dup (NM_001943.3).
Identifiers: ClinVar variation 1284866 (VCV001284866.7), dbSNP rs77324780, ClinGen allele CA8928335.

ClinVar aggregate classification (germline): Benign/Likely benign. Review status: criteria provided, multiple submitters, no conflicts (2 of 4 stars). 6 submissions from 6 submitters: Benign (3); Likely benign (1). 2 of the submissions do not count toward it. Last evaluated 2025-10-28.

Conditions:
Cardiomyopathy (CMYO). Also called: Cardiomyopathies. Identifiers: Orphanet 167848, MedGen C0878544, MONDO:0004994, HP:0001638. Inheritance: Various modes of inheritance.
Arrhythmogenic right ventricular dysplasia 10. Also called: Arrhythmogenic Right Ventricular Dysplasia/Cardiomyopathy10; Arrhythmogenic right ventricular dysplasia/cardiomyopathy, type 10; ARRHYTHMOGENIC RIGHT VENTRICULAR DYSPLASIA, FAMILIAL, 10. Identifiers: MedGen C1857777, MONDO:0012434, OMIM 610193.

Submissions (6):

Mayo Clinic Laboratories, Mayo Clinic
Classification: Likely benign. Last evaluated: 2025-10-28. Review status: criteria provided, single submitter. Criteria: ACMG Guidelines, 2015. Collection method: clinical testing. Allele origin: germline. Observed: 5 variant alleles.
Comment: BS1, BP4, BP7

Labcorp Genetics (formerly Invitae), Labcorp
Classification: Benign for Arrhythmogenic right ventricular dysplasia 10. Last evaluated: 2024-12-31. Review status: criteria provided, single submitter. Criteria: Invitae Variant Classification Sherloc (09022015). Collection method: clinical testing. Allele origin: germline.

Blueprint Genetics
Classification: Benign. Last evaluated: 2024-11-28. Review status: criteria provided, single submitter. Criteria: ACMG Guidelines, 2015. Collection method: clinical testing. Allele origin: germline.

CHEO Genetics Diagnostic Laboratory, Children's Hospital of Eastern Ontario
Classification: Benign for Cardiomyopathy. Last evaluated: 2023-06-19. Review status: criteria provided, single submitter. Criteria: ACMG Guidelines, 2015. Collection method: clinical testing. Allele origin: germline.

Clinical Genetics, Academic Medical Center
Classification: Benign. Review status: no assertion criteria provided. Collection method: clinical testing. Allele origin: germline. Affected: yes. Study: VKGL Data-share Consensus. Not counted in ClinVar's aggregate classification.

Genome Diagnostics Laboratory, University Medical Center Utrecht
Classification: Benign. Review status: no assertion criteria provided. Collection method: clinical testing. Allele origin: germline. Affected: yes. Study: VKGL Data-share Consensus. Not counted in ClinVar's aggregate classification.